The following is an entry in ClinVar:

ClinVar aggregate classification (germline): Uncertain significance (1 of 4 stars; one submission).

Conditions:
Familial temporal lobe epilepsy 7. Identifiers: Orphanet 101046, MedGen C4225327, MONDO:0014639, OMIM 616436.
Norman-Roberts syndrome (LIS2). Also called: Lissencephaly 2 (Norman-Roberts type). Identifiers: Orphanet 89844, MedGen C0796089, MONDO:0009760, OMIM 257320.

Allele frequency attached by ClinVar (database versions not stated): gnomAD exomes below 0.00001; ExAC 0.00001.
gnomAD v4.1: 1 of 1,611,764 alleles (0.000062%); highest among the groups gnomAD compares: South Asian, 0.0011%; no homozygotes.

Submission:

Labcorp Genetics (formerly Invitae), Labcorp
Classification: Uncertain significance for Familial temporal lobe epilepsy 7; Norman-Roberts syndrome. Last evaluated: 2023-01-24. Review status: criteria provided, single submitter. Criteria: Invitae Variant Classification Sherloc (09022015). Collection method: clinical testing. Allele origin: germline.
Comment: In summary, the available evidence is currently insufficient to determine the role of this variant in disease. Therefore, it has been classified as a Variant of Uncertain Significance. Advanced modeling of protein sequence and biophysical properties (such as structural, functional, and spatial information, amino acid conservation, physicochemical variation, residue mobility, and thermodynamic stability) performed at Invitae indicates that this missense variant is not expected to disrupt RELN protein function. This variant has not been reported in the literature in individuals affected with RELN-related conditions. This variant is present in population databases (rs749762422, gnomAD 0.003%). This sequence change replaces proline, which is neutral and non-polar, with arginine, which is basic and polar, at codon 1929 of the RELN protein (p.Pro1929Arg).

NM_005045.4(RELN):c.5786C>G (p.Pro1929Arg)

Gene: RELN (reelin; minus strand). Cytogenetic location: 7q22.1.
Variant type: single nucleotide variant.
Coding change: c.5786C>G on transcript NM_005045.4 (MANE Select); coding-DNA position 5786, C replaced by G.
Protein change: p.Pro1929Arg; replaces proline 1929 with arginine.
Molecular consequence: missense variant.
Genome position (GRCh38, 1-based): chr7:103,556,988, G>C on the plus strand (C>G on the coding strand, the complement: RELN is on the minus strand). VCF-style: chr7-103556988-G-C. GRCh37 (hg19) VCF-style: chr7-103197435-G-C.
Other names: c.5786C>G, p.Pro1929Arg (NM_173054.3); short protein forms P1929R.
Identifiers: ClinVar variation 2943596 (VCV002943596.3), dbSNP rs749762422, ClinGen allele CA4421116.